The following is an entry in ClinVar:

ClinVar aggregate classification (germline): Likely pathogenic (1 of 4 stars; one submission).

Conditions:
Neuropathy, hereditary sensory, type 2C. Also called: KIF1A-Related HSAN2 (HSAN2C); Hereditary sensory and autonomic neuropathy type IIC. Identifiers: Orphanet 970, MedGen C3280168, MONDO:0013634, OMIM 614213.
Hereditary spastic paraplegia 30. Identifiers: Orphanet 101010, MedGen C5235139, MONDO:0012476.
Intellectual disability, autosomal dominant 9 (NESCAVS). Also called: KIF1A-Related Neurodevelopmental Disorder; NESCAV SYNDROME. Identifiers: Orphanet 662367, MedGen C5393830, MONDO:0013656, OMIM 614255.

Submission:

Labcorp Genetics (formerly Invitae), Labcorp
Classification: Likely pathogenic for Hereditary spastic paraplegia 30; Neuropathy, hereditary sensory, type 2C; Intellectual disability, autosomal dominant 9. Last evaluated: 2024-08-08. Review status: criteria provided, single submitter. Criteria: Invitae Variant Classification Sherloc (09022015). Collection method: clinical testing. Allele origin: germline.
Comment: This sequence change affects an acceptor splice site in intron 4 of the KIF1A gene. It is expected to disrupt RNA splicing. Variants that disrupt the donor or acceptor splice site typically lead to a loss of protein function (PMID: 16199547), and loss-of-function variants in KIF1A are known to be pathogenic (PMID: 21820098). This variant is not present in population databases (gnomAD no frequency). This variant has not been reported in the literature in individuals affected with KIF1A-related conditions. Algorithms developed to predict the effect of sequence changes on RNA splicing suggest that this variant may disrupt the consensus splice site. In summary, the currently available evidence indicates that the variant is pathogenic, but additional data are needed to prove that conclusively. Therefore, this variant has been classified as Likely Pathogenic.

Literature cited by the submitters: PubMed 16199547; PubMed 21820098.

NM_001244008.2(KIF1A):c.430-2A>G

Gene: KIF1A (kinesin family member 1A; minus strand). Cytogenetic location: 2q37.3.
Variant type: single nucleotide variant.
Coding change: c.430-2A>G on transcript NM_001244008.2 (MANE Select); the canonical splice acceptor site of the intron before coding-DNA position 430, A replaced by G.
Molecular consequence: splice acceptor variant.
Genome position (GRCh38, 1-based): chr2:240,786,515, T>C on the plus strand (A>G on the coding strand, the complement: KIF1A is on the minus strand). VCF-style: chr2-240786515-T-C. GRCh37 (hg19) VCF-style: chr2-241725932-T-C.
Other names: c.430-2A>G (NM_001379653.1, NM_001379650.1, NM_001379645.1 and 20 more transcripts).
Identifiers: ClinVar variation 3757596 (VCV003757596.2).